The following is an entry in ClinVar:

ClinVar aggregate classification (germline): Pathogenic/Likely pathogenic. Review status: criteria provided, multiple submitters, no conflicts (2 of 4 stars). 2 submissions from 2 submitters: Pathogenic (1); Likely pathogenic (1). Last evaluated 2025-07-30.

Conditions:
Hereditary nonpolyposis colorectal neoplasms. Identifiers: MedGen C0009405, MeSH D003123.
Hereditary cancer-predisposing syndrome. Also called: Neoplastic Syndromes, Hereditary; Tumor predisposition; Hereditary Cancer Syndrome; Hereditary neoplastic syndrome. Identifiers: Orphanet 140162, MedGen C0027672, MeSH D009386, MONDO:0015356.

Allele frequency attached by ClinVar (database versions not stated): gnomAD exomes below 0.00001.

Submissions (2):

Labcorp Genetics (formerly Invitae), Labcorp
Classification: Pathogenic for Hereditary nonpolyposis colorectal neoplasms. Last evaluated: 2025-07-30. Review status: criteria provided, single submitter. Criteria: Invitae Variant Classification Sherloc (09022015). Collection method: clinical testing. Allele origin: germline.
Comment: This sequence change replaces glycine, which is neutral and non-polar, with aspartic acid, which is acidic and polar, at codon 271 of the PMS2 protein (p.Gly271Asp). This variant is not present in population databases (gnomAD no frequency). This missense change has been observed in individuals with Lynch syndrome (external communication, internal data). ClinVar contains an entry for this variant (Variation ID: 640477). Invitae Evidence Modeling incorporating data from in vitro experimental studies (internal data) indicates that this missense variant is expected to disrupt PMS2 function with a positive predictive value of 95%. This variant disrupts the p.Gly271 amino acid residue in PMS2. Other variant(s) that disrupt this residue have been determined to be pathogenic (external communication, internal data). This suggests that this residue is clinically significant, and that variants that disrupt this residue are likely to be disease-causing. For these reasons, this variant has been classified as Pathogenic.

Ambry Genetics
Classification: Likely pathogenic for Hereditary cancer-predisposing syndrome. Last evaluated: 2023-09-13. Review status: criteria provided, single submitter. Criteria: Ambry Variant Classification Scheme 2023. Collection method: clinical testing. Allele origin: germline.
Comment: The p.G271D variant (also known as c.812G>A), located in coding exon 8 of the PMS2 gene, results from a G to A substitution at nucleotide position 812. The glycine at codon 271 is replaced by aspartic acid, an amino acid with similar properties. This variant has been identified in probands whose Lynch syndrome-associated tumor demonstrated high microsatellite instability and/or loss of PMS2 expression by immunohistochemistry (Ambry internal data). This amino acid position is highly conserved in available vertebrate species. In addition, this alteration is predicted to be deleterious by in silico analysis. Based on the majority of available evidence to date, this variant is likely to be pathogenic.

NM_000535.7(PMS2):c.812G>A (p.Gly271Asp)

Gene: PMS2 (PMS1 homolog 2, mismatch repair system component; minus strand). Cytogenetic location: 7p22.1.
Variant type: single nucleotide variant.
Coding change: c.812G>A on transcript NM_000535.7 (MANE Select); coding-DNA position 812, G replaced by A.
Protein change: p.Gly271Asp; replaces glycine 271 with aspartic acid.
Molecular consequence: missense variant. On other transcripts: 5 prime UTR variant (2), non-coding transcript variant (1).
Genome position (GRCh38, 1-based): chr7:5,995,625, C>T on the plus strand (G>A on the coding strand, the complement: PMS2 is on the minus strand). VCF-style: chr7-5995625-C-T. GRCh37 (hg19) VCF-style: chr7-6035256-C-T.
Other names: c.407G>A, p.Gly136Asp (NM_001322003.2, NM_001322004.2, NM_001322005.2 and 2 more transcripts); c.812G>A, p.Gly271Asp (NM_001322006.2, NM_001322014.2); c.494G>A, p.Gly165Asp (NM_001322007.2, NM_001322008.2); c.-122G>A (NM_001322011.2, NM_001322012.2); c.239G>A, p.Gly80Asp (NM_001322013.2); c.503G>A, p.Gly168Asp (NM_001322015.2); short protein forms G168D, G165D, G271D, G136D, G80D.
Identifiers: ClinVar variation 640477 (VCV000640477.11), dbSNP rs1583364867, ClinGen allele CA366743569.